The following is an entry in ClinVar:

ClinVar aggregate classification (germline): Uncertain significance (1 of 4 stars; one submission).

Conditions:
Early-infantile DEE. Also called: Ohtahara syndrome; Early infantile epileptic encephalopathy with suppression bursts; Early infantile epileptic encephalopathy. Identifiers: Orphanet 1934, MedGen C0393706, MONDO:0800491.

Submission:

Labcorp Genetics (formerly Invitae), Labcorp
Classification: Uncertain significance for Early-infantile DEE. Last evaluated: 2024-01-22. Review status: criteria provided, single submitter. Criteria: Invitae Variant Classification Sherloc (09022015). Collection method: clinical testing. Allele origin: germline.
Comment: This sequence change replaces alanine, which is neutral and non-polar, with serine, which is neutral and polar, at codon 267 of the KCNQ2 protein (p.Ala267Ser). This variant is not present in population databases (gnomAD no frequency). This variant has not been reported in the literature in individuals affected with KCNQ2-related conditions. Advanced modeling of protein sequence and biophysical properties (such as structural, functional, and spatial information, amino acid conservation, physicochemical variation, residue mobility, and thermodynamic stability) performed at Invitae indicates that this missense variant is expected to disrupt KCNQ2 protein function with a positive predictive value of 80%. In summary, the available evidence is currently insufficient to determine the role of this variant in disease. Therefore, it has been classified as a Variant of Uncertain Significance.

NM_172107.4(KCNQ2):c.799G>T (p.Ala267Ser)

Gene: KCNQ2 (potassium voltage-gated channel subfamily Q member 2; minus strand). Cytogenetic location: 20q13.33.
Variant type: single nucleotide variant.
Coding change: c.799G>T on transcript NM_172107.4 (MANE Select); coding-DNA position 799, G replaced by T.
Protein change: p.Ala267Ser; replaces alanine 267 with serine.
Molecular consequence: missense variant.
Genome position (GRCh38, 1-based): chr20:63,442,423, C>A on the plus strand (G>T on the coding strand, the complement: KCNQ2 is on the minus strand). VCF-style: chr20-63442423-C-A. GRCh37 (hg19) VCF-style: chr20-62073776-C-A.
Other names: c.799G>T, p.Ala267Ser (NM_001382235.1, NM_004518.6, NM_172106.3 and 2 more transcripts); short protein forms A267S.
Identifiers: ClinVar variation 2699188 (VCV002699188.3), dbSNP rs2145735332, ClinGen allele CA409653378.